The following is an entry in ClinVar:

ClinVar aggregate classification (germline): Uncertain significance (1 of 4 stars; one submission).

Conditions:
Wilms tumor 1 (WT1). Also called: Wilms tumor, somatic. Identifiers: Orphanet 654, MedGen CN033288, MONDO:0008679, OMIM 194070.

Submission:

Labcorp Genetics (formerly Invitae), Labcorp
Classification: Uncertain significance for Wilms tumor 1. Last evaluated: 2023-04-24. Review status: criteria provided, single submitter. Criteria: Invitae Variant Classification Sherloc (09022015). Collection method: clinical testing. Allele origin: germline.
Comment: This sequence change replaces leucine, which is neutral and non-polar, with phenylalanine, which is neutral and non-polar, at codon 16 of the GPC3 protein (p.Leu16Phe). This variant is not present in population databases (gnomAD no frequency). This variant has not been reported in the literature in individuals affected with GPC3-related conditions. ClinVar contains an entry for this variant (Variation ID: 1433618). An algorithm developed to predict the effect of missense changes on protein structure and function (PolyPhen-2) suggests that this variant is likely to be disruptive. In summary, the available evidence is currently insufficient to determine the role of this variant in disease. Therefore, it has been classified as a Variant of Uncertain Significance.

NM_004484.4(GPC3):c.46C>T (p.Leu16Phe)

Gene: GPC3 (glypican 3; minus strand). Cytogenetic location: Xq26.2.
Variant type: single nucleotide variant.
Coding change: c.46C>T on transcript NM_004484.4 (MANE Select); coding-DNA position 46, C replaced by T.
Protein change: p.Leu16Phe; replaces leucine 16 with phenylalanine.
Molecular consequence: missense variant.
Genome position (GRCh38, 1-based): chrX:133,985,404, G>A on the plus strand (C>T on the coding strand, the complement: GPC3 is on the minus strand). VCF-style: chrX-133985404-G-A. GRCh37 (hg19) VCF-style: chrX-133119431-G-A.
Other names: c.46C>T, p.Leu16Phe (NM_001164617.2, NM_001164618.2, NM_001164619.2); short protein forms L16F.
Identifiers: ClinVar variation 1433618 (VCV001433618.8), dbSNP rs2124655846, ClinGen allele CA414707155.